The following is an entry in ClinVar:

ClinVar aggregate classification (germline): Uncertain significance. Review status: criteria provided, multiple submitters, no conflicts (2 of 4 stars). 4 submissions from 4 submitters: Uncertain significance (4). Last evaluated 2025-09-27.

Conditions:
Hereditary cancer-predisposing syndrome. Also called: Hereditary Cancer Syndrome; Tumor predisposition; Neoplastic Syndromes, Hereditary; Hereditary neoplastic syndrome. Identifiers: Orphanet 140162, MedGen C0027672, MeSH D009386, MONDO:0015356.
Hereditary pheochromocytoma and paraganglioma. Also called: Hereditary paragangliomas and pheochromocytomas; Hereditary Paraganglioma-Pheochromocytoma Syndromes; Hereditary pheochromocytoma-paraganglioma. Identifiers: Orphanet 29072, MedGen C4274332, MONDO:0017366.
Gastrointestinal stromal tumor. Also called: Gastrointestinal stromal tumor, somatic; Gastrointestinal stroma tumor. Identifiers: Orphanet 44890, MedGen C0238198, MeSH D046152, MONDO:0011719, OMIM 606764, HP:0100723.
Pheochromocytoma/paraganglioma syndrome 3. Also called: SDHC-Related Hereditary Paraganglioma-Pheochromocytoma Syndrome (Paragangliomas 3); SDHC-Related Hereditary Paraganglioma-Pheochromocytoma Syndrome; Paragangliomas 3; GLOMUS TUMORS, FAMILIAL, 3. Identifiers: Orphanet 29072, MedGen C1854336, MONDO:0011544, OMIM 605373.

Allele frequency attached by ClinVar (database versions not stated): ExAC 0.00001; gnomAD 0.00001; TOPMed 0.00002.
gnomAD v4.1: 2 of 1,612,994 alleles (0.00012%); no homozygotes.

Submissions (4):

Labcorp Genetics (formerly Invitae), Labcorp
Classification: Uncertain significance for Pheochromocytoma/paraganglioma syndrome 3; Gastrointestinal stromal tumor. Last evaluated: 2025-09-27. Review status: criteria provided, single submitter. Criteria: Invitae Variant Classification Sherloc (09022015). Collection method: clinical testing. Allele origin: germline.
Comment: This sequence change replaces threonine, which is neutral and polar, with isoleucine, which is neutral and non-polar, at codon 159 of the SDHC protein (p.Thr159Ile). This variant is not present in population databases (gnomAD no frequency). This variant has not been reported in the literature in individuals affected with SDHC-related conditions. ClinVar contains an entry for this variant (Variation ID: 573194). An algorithm developed to predict the effect of missense changes on protein structure and function (PolyPhen-2) suggests that this variant is likely to be disruptive. In summary, the available evidence is currently insufficient to determine the role of this variant in disease. Therefore, it has been classified as a Variant of Uncertain Significance.

Color Diagnostics, LLC DBA Color Health
Classification: Uncertain significance for Hereditary pheochromocytoma and paraganglioma. Last evaluated: 2025-07-11. Review status: criteria provided, single submitter. Criteria: ACMG Guidelines, 2015. Collection method: clinical testing. Allele origin: germline.
Comment: This missense variant replaces threonine with isoleucine at codon 159 of the SDHC protein. Computational prediction suggests that this variant may have deleterious impact on protein structure and function. To our knowledge, functional studies have not been reported for this variant. This variant has not been reported in individuals affected with SDHC-related disorders in the literature. This variant has not been identified in the general population by the Genome Aggregation Database (gnomAD). The available evidence is insufficient to determine the role of this variant in disease conclusively. Therefore, this variant is classified as a Variant of Uncertain Significance.

Ambry Genetics
Classification: Uncertain significance for Hereditary cancer-predisposing syndrome. Last evaluated: 2025-01-18. Review status: criteria provided, single submitter. Criteria: Ambry Variant Classification Scheme 2023. Collection method: clinical testing. Allele origin: germline.
Comment: The p.T159I variant (also known as c.476C>T), located in coding exon 6 of the SDHC gene, results from a C to T substitution at nucleotide position 476. The threonine at codon 159 is replaced by isoleucine, an amino acid with similar properties. This amino acid position is well conserved in available vertebrate species. In addition, the in silico prediction for this alteration is inconclusive. Since supporting evidence is limited at this time, the clinical significance of this alteration remains unclear.

All of Us Research Program, National Institutes of Health
Classification: Uncertain significance for Hereditary pheochromocytoma and paraganglioma. Last evaluated: 2023-12-01. Review status: criteria provided, single submitter. Criteria: ACMG Guidelines, 2015. Collection method: clinical testing. Allele origin: germline. Inheritance: Autosomal dominant inheritance. Observed: 2 variant alleles, 2 heterozygotes.
Comment: This missense variant replaces threonine with isoleucine at codon 159 of the SDHC protein. Computational prediction suggests that this variant may have deleterious impact on protein structure and function (internally defined REVEL score threshold >= 0.7, PMID: 27666373). To our knowledge, functional studies have not been reported for this variant. This variant has not been reported in individuals affected with SDHC-related disorders in the literature. This variant has not been identified in the general population by the Genome Aggregation Database (gnomAD). The available evidence is insufficient to determine the role of this variant in disease conclusively. Therefore, this variant is classified as a Variant of Uncertain Significance.

This study involves interpretation of variants in research participants for the purpose of population health screening. Participant phenotype was not available at the time of variant classification. Additional details can be found in publication PMID: 35346344, PMCID: PMC8962531

NM_003001.5(SDHC):c.476C>T (p.Thr159Ile)

Gene: SDHC (succinate dehydrogenase complex subunit C; plus strand). Cytogenetic location: 1q23.3.
Variant type: single nucleotide variant.
Coding change: c.476C>T on transcript NM_003001.5 (MANE Select); coding-DNA position 476, C replaced by T.
Protein change: p.Thr159Ile; replaces threonine 159 with isoleucine.
Molecular consequence: missense variant. On other transcripts: synonymous variant (3), non-coding transcript variant (1).
Genome position (GRCh38, 1-based): chr1:161,362,399, C>T. VCF-style: chr1-161362399-C-T. GRCh37 (hg19) VCF-style: chr1-161332189-C-T.
Other names: c.312C>T, p.Tyr104= (NM_001035511.3); c.374C>T, p.Thr125Ile (NM_001035512.3); c.317C>T, p.Thr106Ile (NM_001035513.3); c.210C>T, p.Tyr70= (NM_001278172.3); c.596C>T, p.Thr199Ile (NM_001407115.1); c.419C>T, p.Thr140Ile (NM_001407116.1); c.413C>T, p.Thr138Ile (NM_001407117.1); c.368C>T, p.Thr123Ile (NM_001407118.1); and 2 more; short protein forms T159I, T125I, T106I, T138I, T140I, T123I, T122I, T199I.
Identifiers: ClinVar variation 573194 (VCV000573194.16), dbSNP rs773923942, ClinGen allele CA047484.